The following is an entry in ClinVar:

NM_013337.4(TIMM22):c.283G>A (p.Asp95Asn)

Gene: TIMM22 (translocase of inner mitochondrial membrane 22; plus strand). Cytogenetic location: 17p13.3.
Variant type: single nucleotide variant.
Coding change: c.283G>A on transcript NM_013337.4 (MANE Select); coding-DNA position 283, G replaced by A.
Protein change: p.Asp95Asn; replaces aspartic acid 95 with asparagine.
Molecular consequence: missense variant.
Genome position (GRCh38, 1-based): chr17:998,823, G>A. VCF-style: chr17-998823-G-A. GRCh37 (hg19) VCF-style: chr17-902063-G-A.
Other names: c.283G>A (NM_013337.2); short protein forms D95N.
Identifiers: ClinVar variation 2647180 (VCV002647180.24), dbSNP rs146718482, ClinGen allele CA8264444.

ClinVar aggregate classification (germline): Conflicting classifications of pathogenicity. Review status: criteria provided, conflicting classifications (1 of 4 stars). 2 submissions from 2 submitters: Uncertain significance (1); Likely benign (1). Last evaluated 2026-08-01.

Allele frequency attached by ClinVar (database versions not stated): gnomAD 0.00087; TOPMed 0.00087; ExAC 0.00105; ESP Exome Variant Server 0.00108.

Submissions (2):

CeGaT Center for Human Genetics Tuebingen
Classification: Likely benign. Last evaluated: 2026-08-01. Review status: criteria provided, single submitter. Criteria: CeGaT Center For Human Genetics Tuebingen Variant Classification Criteria Version 2. Collection method: clinical testing. Allele origin: germline. Affected: yes. Observed: 5 variant alleles.
Comment: TIMM22: BS2

Ambry Genetics
Classification: Uncertain significance. Last evaluated: 2025-03-25. Review status: criteria provided, single submitter. Criteria: Ambry Variant Classification Scheme 2023. Collection method: clinical testing. Allele origin: germline.